The following is an entry in ClinVar:

NM_032043.3(BRIP1):c.3646A>G (p.Thr1216Ala)

Gene: BRIP1 (BRCA1 interacting DNA helicase 1; minus strand). Cytogenetic location: 17q23.2.
Variant type: single nucleotide variant.
Coding change: c.3646A>G on transcript NM_032043.3 (MANE Select); coding-DNA position 3646, A replaced by G.
Protein change: p.Thr1216Ala; replaces threonine 1216 with alanine.
Molecular consequence: missense variant.
Genome position (GRCh38, 1-based): chr17:61,683,400, T>C on the plus strand (A>G on the coding strand, the complement: BRIP1 is on the minus strand). VCF-style: chr17-61683400-T-C. GRCh37 (hg19) VCF-style: chr17-59760761-T-C.
Other names: short protein forms T1216A.
Identifiers: ClinVar variation 4783583 (VCV004783583.1).

ClinVar aggregate classification (germline): Uncertain significance (1 of 4 stars; one submission).

Conditions:
Fanconi anemia complementation group J. Also called: BRIP1-Related Fanconi Anemia. Identifiers: Orphanet 84, MedGen C1836860, MONDO:0012187, OMIM 609054.
Familial cancer of breast. Also called: Hereditary breast cancer; hereditary breast carcinoma; BREAST CANCER, FAMILIAL. Identifiers: Orphanet 227535, MedGen C0346153, MONDO:0016419, OMIM 114480. Disease mechanism: loss of function.

Submission:

Labcorp Genetics (formerly Invitae), Labcorp
Classification: Uncertain significance for Familial cancer of breast; Fanconi anemia complementation group J. Last evaluated: 2025-02-09. Review status: criteria provided, single submitter. Criteria: Invitae Variant Classification Sherloc (09022015). Collection method: clinical testing. Allele origin: germline.
Comment: This sequence change replaces threonine, which is neutral and polar, with alanine, which is neutral and non-polar, at codon 1216 of the BRIP1 protein (p.Thr1216Ala). This variant is not present in population databases (gnomAD no frequency). This variant has not been reported in the literature in individuals affected with BRIP1-related conditions. Invitae Evidence Modeling of protein sequence and biophysical properties (such as structural, functional, and spatial information, amino acid conservation, physicochemical variation, residue mobility, and thermodynamic stability) indicates that this missense variant is not expected to disrupt BRIP1 protein function with a negative predictive value of 95%. In summary, the available evidence is currently insufficient to determine the role of this variant in disease. Therefore, it has been classified as a Variant of Uncertain Significance.